The following is an entry in ClinVar:

ClinVar aggregate classification (germline): Uncertain significance (1 of 4 stars; one submission).

Submission:

GeneDx
Classification: Uncertain significance. Last evaluated: 2025-03-04. Review status: criteria provided, single submitter. Criteria: GeneDx Variant Classification Process June 2021. Collection method: clinical testing. Allele origin: germline. Affected: yes.
Comment: Not observed at significant frequency in large population cohorts (gnomAD); In silico analysis supports a deleterious effect on splicing; Has not been previously published as pathogenic or benign to our knowledge

NM_181332.3(NLGN4X):c.626-5T>A

Gene: NLGN4X (neuroligin 4 X-linked; minus strand). Cytogenetic location: Xp22.32.
Variant type: single nucleotide variant.
Coding change: c.626-5T>A on transcript NM_181332.3 (MANE Select); 5 bases into the intron before coding-DNA position 626, T replaced by A.
Molecular consequence: intron variant.
Genome position (GRCh38, 1-based): chrX:5,909,244, A>T on the plus strand (T>A on the coding strand, the complement: NLGN4X is on the minus strand). VCF-style: chrX-5909244-A-T. GRCh37 (hg19) VCF-style: chrX-5827285-A-T.
Other names: c.626-5T>A (NM_001282145.2, NM_001441324.1, NM_001441325.1 and 4 more transcripts).
Identifiers: ClinVar variation 4082729 (VCV004082729.1).